The following is an entry in ClinVar:

ClinVar aggregate classification (germline): Benign (1 of 4 stars; one submission).

Conditions:
Myostatin-related muscle hypertrophy (MSLHP). Also called: MUSCLE HYPERTROPHY. Identifiers: Orphanet 275534, MedGen C2931112, MONDO:0013598, OMIM 614160.

Allele frequency attached by ClinVar (database versions not stated): gnomAD 0.00007 and 0.00008; ESP Exome Variant Server 0.00008; TOPMed 0.00008; gnomAD exomes 0.00009 and 0.00015; ExAC 0.00012.
gnomAD v4.1: 234 of 1,612,984 alleles (0.015%); highest among the groups gnomAD compares: Non-Finnish European, 0.019%; no homozygotes.

Submission:

Illumina Laboratory Services, Illumina
Classification: Benign for Myostatin-related muscle hypertrophy. Last evaluated: 2018-01-13. Review status: criteria provided, single submitter. Criteria: ICSL Variant Classification Criteria 13 December 2019. Collection method: clinical testing. Allele origin: germline.
Comment: This variant was observed in the ICSL laboratory as part of a predisposition screen in an ostensibly healthy population. It had not been previously curated by ICSL or reported in the Human Gene Mutation Database (HGMD: prior to June 1st, 2018), and was therefore a candidate for classification through an automated scoring system. Utilizing variant allele frequency, disease prevalence and penetrance estimates, and inheritance mode, an automated score was calculated to assess if this variant is too frequent to cause the disease. Based on the score and internal cut-off values, a variant classified as benign is not then subjected to further curation. The score for this variant resulted in a classification of benign for this disease.

NM_005259.3(MSTN):c.551C>T (p.Thr184Ile)

Genes: C2orf88 (chromosome 2 open reading frame 88; plus strand), MSTN (myostatin; minus strand). Cytogenetic location: 2q32.2.
Variant type: single nucleotide variant.
Coding change: c.551C>T on transcript NM_005259.3 (MANE Select); coding-DNA position 551, C replaced by T.
Protein change: p.Thr184Ile; replaces threonine 184 with isoleucine.
Molecular consequence: missense variant.
Genome position (GRCh38, 1-based): chr2:190,060,258, G>A on the plus strand (C>T on the coding strand, the complement: MSTN is on the minus strand). VCF-style: chr2-190060258-G-A. GRCh37 (hg19) VCF-style: chr2-190924984-G-A.
Other names: c.551C>T (LRG_200t1); short protein forms T184I.
Identifiers: ClinVar variation 333237 (VCV000333237.5), dbSNP rs369290669, ClinGen allele CA2027111.
Genomic context (GRCh38, chr2:190,060,258, plus strand): 5'-TGCCAAATACCAGTGCCTGGGTTCATGTCAAGTTTCAGAGATCGGATTCCAGTATACCTT[G>A]TACCGTCTTTCATAGGTTTGATGAGTCTCAGGATTTGCACAAACACTGTTGTAGGAGTCT-3'
Protein context (NP_005250.1, residues 174-194): LRLIKPMKDG[Thr184Ile]RYTGIRSLKL